The following is an entry in ClinVar:

ClinVar aggregate classification (germline): Pathogenic/Likely pathogenic. Review status: criteria provided, multiple submitters, no conflicts (2 of 4 stars). 2 submissions from 2 submitters: Pathogenic (1); Likely pathogenic (1). Last evaluated 2016-04-06.

Conditions:
Severe myoclonic epilepsy in infancy (DRVT). Also called: Epileptic encephalopathy, early infantile, 6 (Dravet syndrome); SEVERE MYOCLONIC EPILEPSY OF INFANCY; DEVELOPMENTAL AND EPILEPTIC ENCEPHALOPATHY 6A; Severe Myoclonic Epilepsy in Infancy (SMEI); Dravet syndrome. Identifiers: Orphanet 33069, MedGen C0751122, MONDO:0100135, OMIM 607208.

Submissions (3):

GeneDx
Classification: Likely pathogenic. Last evaluated: 2016-04-06. Review status: criteria provided, single submitter. Criteria: GeneDx Variant Classification (06012015). Collection method: clinical testing. Allele origin: germline. Affected: yes.
Comment: The A1273V variant in the SCN1A gene has not been reported previously as a pathogenic variant, nor as a benign variant, to our knowledge. This variant was not observed in approximately 6500 individuals of European and African American ancestry in the NHLBI Exome Sequencing Project, indicating it is not a common benign variant in these populations. The A1273V variant is a conservative amino acid substitution, which is not likely to impact secondary protein structure as these residues share similar properties. This substitution occurs at a position that is conserved across species. In silico analysis is inconsistent in its predictions as to whether or not the variant is damaging to the protein structure/function. Missense variants in nearby residues (K1270T, Y1274N, Y1274S, G1275A, G1275V) have been reported in the Human Gene Mutation Database in association with SCN1A-related disorders (Stenson et al., 2014), supporting the functional importance of this region of the protein. The A1273V variant is a strong candidate for a pathogenic variant.

Center for Bioinformatics, Peking University
Classification: Pathogenic for Dravet syndrome. Last evaluated: 2014-12-20. Review status: criteria provided, single submitter. Criteria: Xu et al. (Hum Mutat. 2015). Collection method: research. Allele origin: de novo. Affected: yes. Observed: 1 variant allele. Study: University Clinical Cooperation “985 Project” PKU-2014-1-1.
Comment: Dravet syndrome (DS) probands were recruited from the outpatient and inpatient child neurology units of Peking University First Hospital from 2005 till present. The study was approved by the Ethics Committee of Peking University First Hospital and the Institutional Review Board at Peking University. Participants or their parents provided written informed consent before enrollment. We collected a total of 267 mutations from 255 families with probands diagnosed with DS in China. All probands fulfilled the clinical diagnostic criteria.

Channelopathy-Associated Epilepsy Research Center
No classification provided (evidence only). Condition: Severe myoclonic epilepsy in infancy. Review status: no classification provided. Collection method: literature only. Allele origin: not applicable. Functional consequence: Normal rate of activation, Mild depolarizing shift of voltage dependence of activation, Mild depolarizing shift of voltage dependence of fast inactivation, Normal rate of recovery from fast inactivation, Normal fast inactivation, Overall mixed or unclear functional effect with respect to biophysical channel activity. Not counted in ClinVar's aggregate classification.
ClinVar note: "not provided" was previously submitted as the classification for the variant. However, the classification appeared to be based only on an observation of functional data so it was converted to no classification on 2025-07-30.

Literature cited by the submitters: PubMed 27582020 (cited by Channelopathy-Associated Epilepsy Research Center).

NM_001165963.4(SCN1A):c.3818C>T (p.Ala1273Val)

Genes: SCN1A (sodium voltage-gated channel alpha subunit 1; minus strand), LOC102724058 (uncharacterized LOC102724058; plus strand). Cytogenetic location: 2q24.3.
Variant type: single nucleotide variant.
Coding change: c.3818C>T on transcript NM_001165963.4 (MANE Select); coding-DNA position 3818, C replaced by T.
Protein change: p.Ala1273Val; replaces alanine 1273 with valine.
Molecular consequence: missense variant. On other transcripts: non-coding transcript variant (1).
Genome position (GRCh38, 1-based): chr2:166,012,170, G>A on the plus strand (C>T on the coding strand, the complement: SCN1A is on the minus strand). VCF-style: chr2-166012170-G-A. GRCh37 (hg19) VCF-style: chr2-166868680-G-A.
Other names: c.3734C>T, p.Ala1245Val (NM_001165964.3, NM_001353957.2, NM_001353958.2); c.3818C>T, p.Ala1273Val (NM_001202435.3, NM_001353948.2); c.3785C>T, p.Ala1262Val (NM_001353949.2, NM_001353950.2, NM_001353951.2 and 2 more transcripts); c.3782C>T, p.Ala1261Val (NM_001353954.2, NM_001353955.2); c.3731C>T, p.Ala1244Val (NM_001353960.2); c.1376C>T, p.Ala459Val (NM_001353961.2); short protein forms A1262V, A1273V, A1261V, A1244V, A1245V, A459V.
Identifiers: ClinVar variation 190013 (VCV000190013.4), dbSNP rs794726841, ClinGen allele CA303550.